The following is an entry in ClinVar:

ClinVar aggregate classification (germline): Conflicting classifications of pathogenicity. Review status: criteria provided, conflicting classifications (1 of 4 stars). 3 submissions from 3 submitters: Uncertain significance (2); Likely benign (1). Last evaluated 2025-09-07.

Conditions:
Gorlin syndrome. Also called: Basal cell nevus syndrome; Nevoid Basal Cell Carcinoma Syndrome. Identifiers: Orphanet 377, MedGen C0004779, MONDO:0007187.

Allele frequency attached by ClinVar (database versions not stated): gnomAD 0.00003; gnomAD exomes 0.00008; ExAC 0.00009.
gnomAD v4.1: 82 of 1,614,004 alleles (0.0051%); highest among the groups gnomAD compares: Admixed American, 0.0083%; no homozygotes.

Submissions (3):

Dasa
Classification: Uncertain significance. Last evaluated: 2025-09-07. Review status: criteria provided, single submitter. Criteria: DASA Assertion Criteria. Collection method: clinical testing. Allele origin: germline.
Comment: NM_003738.5(PTCH2):c.1568C>T (p.Ala523Val) is a missense variant that results in the substitution of alanine with valine. Multiple computational predictions support a deleterious effect on the gene or gene product. The variant is present at low frequency in population datasets. Based on the available data, this variant is classified as variant of uncertain significance.

Labcorp Genetics (formerly Invitae), Labcorp
Classification: Uncertain significance for Gorlin syndrome. Last evaluated: 2025-08-02. Review status: criteria provided, single submitter. Criteria: Invitae Variant Classification Sherloc (09022015). Collection method: clinical testing. Allele origin: germline.
Comment: This sequence change replaces alanine, which is neutral and non-polar, with valine, which is neutral and non-polar, at codon 523 of the PTCH2 protein (p.Ala523Val). This variant is present in population databases (rs200216295, gnomAD 0.03%). This variant has not been reported in the literature in individuals affected with PTCH2-related conditions. ClinVar contains an entry for this variant (Variation ID: 846060). Invitae Evidence Modeling of protein sequence and biophysical properties (such as structural, functional, and spatial information, amino acid conservation, physicochemical variation, residue mobility, and thermodynamic stability) has been performed for this missense variant. However, the output from this modeling did not meet the statistical confidence thresholds required to predict the impact of this variant on PTCH2 protein function. In summary, the available evidence is currently insufficient to determine the role of this variant in disease. Therefore, it has been classified as a Variant of Uncertain Significance.

CeGaT Center for Human Genetics Tuebingen
Classification: Likely benign. Last evaluated: 2024-11-01. Review status: criteria provided, single submitter. Criteria: CeGaT Center For Human Genetics Tuebingen Variant Classification Criteria Version 2. Collection method: clinical testing. Allele origin: germline. Affected: yes. Observed: 1 variant allele.
Comment: PTCH2: BS1

NM_003738.5(PTCH2):c.1568C>T (p.Ala523Val)

Gene: PTCH2 (patched 2; minus strand). Cytogenetic location: 1p34.1.
Variant type: single nucleotide variant.
Coding change: c.1568C>T on transcript NM_003738.5 (MANE Select); coding-DNA position 1568, C replaced by T.
Protein change: p.Ala523Val; replaces alanine 523 with valine.
Molecular consequence: missense variant.
Genome position (GRCh38, 1-based): chr1:44,828,528, G>A on the plus strand (C>T on the coding strand, the complement: PTCH2 is on the minus strand). VCF-style: chr1-44828528-G-A. GRCh37 (hg19) VCF-style: chr1-45294200-G-A.
Other names: c.1568C>T, p.Ala523Val (NM_001166292.2); short protein forms A523V.
Identifiers: ClinVar variation 846060 (VCV000846060.24), dbSNP rs200216295, ClinGen allele CA823271.